The following is an entry in ClinVar:

NM_024675.4(PALB2):c.3054G>A (p.Glu1018=)

Gene: PALB2 (partner and localizer of BRCA2; minus strand). Cytogenetic location: 16p12.2.
Variant type: single nucleotide variant.
Coding change: c.3054G>A on transcript NM_024675.4 (MANE Select); coding-DNA position 3054, G replaced by A.
Protein change: p.Glu1018=; no amino-acid change (glutamic acid 1018 retained).
Molecular consequence: synonymous variant.
Genome position (GRCh38, 1-based): chr16:23,621,421, C>T on the plus strand (G>A on the coding strand, the complement: PALB2 is on the minus strand). VCF-style: chr16-23621421-C-T. GRCh37 (hg19) VCF-style: chr16-23632742-C-T.
Identifiers: ClinVar variation 383013 (VCV000383013.14), dbSNP rs183489969, ClinGen allele CA16606990.

ClinVar aggregate classification (germline): Benign/Likely benign. Review status: criteria provided, multiple submitters, no conflicts (2 of 4 stars). 4 submissions from 4 submitters: Benign (1); Likely benign (3). Last evaluated 2026-01-19.

Conditions:
Hereditary cancer-predisposing syndrome. Also called: Hereditary Cancer Syndrome; Hereditary neoplastic syndrome; Neoplastic Syndromes, Hereditary; Tumor predisposition. Identifiers: Orphanet 140162, MedGen C0027672, MeSH D009386, MONDO:0015356.
Familial cancer of breast. Also called: hereditary breast carcinoma; Hereditary breast cancer; BREAST CANCER, FAMILIAL. Identifiers: Orphanet 227535, MedGen C0346153, MONDO:0016419, OMIM 114480. Disease mechanism: loss of function.

Submissions (4):

Labcorp Genetics (formerly Invitae), Labcorp
Classification: Likely benign for Familial cancer of breast. Last evaluated: 2026-01-19. Review status: criteria provided, single submitter. Criteria: Invitae Variant Classification Sherloc (09022015). Collection method: clinical testing. Allele origin: germline.

Myriad Genetics, Inc.
Classification: Benign for Familial cancer of breast. Last evaluated: 2025-01-21. Review status: criteria provided, single submitter. Criteria: Myriad Autosomal Dominant, Autosomal Recessive and X-Linked Classification Criteria (2023). Collection method: clinical testing. Allele origin: unknown.
Comment: This variant is considered benign. This variant is a silent/synonymous amino acid change and it is not expected to impact splicing.

Ambry Genetics
Classification: Likely benign for Hereditary cancer-predisposing syndrome. Last evaluated: 2019-12-10. Review status: criteria provided, single submitter. Criteria: Ambry Variant Classification Scheme 2023. Collection method: clinical testing. Allele origin: germline.

GeneDx
Classification: Likely benign. Last evaluated: 2016-01-12. Review status: criteria provided, single submitter. Criteria: GeneDx Variant Classification (06012015). Collection method: clinical testing. Allele origin: germline. Affected: yes.
Comment: This variant is considered likely benign or benign based on one or more of the following criteria: it is a conservative change, it occurs at a poorly conserved position in the protein, it is predicted to be benign by multiple in silico algorithms, and/or has population frequency not consistent with disease.